The following is an entry in ClinVar:

NC_000001.10:g.(?_161332109)_(161332308_?)del

Gene: SDHC (succinate dehydrogenase complex subunit C; plus strand). Cytogenetic location: 1q23.3.
Variant type: Deletion.
Identifiers: ClinVar variation 1076621 (VCV001076621.15).

ClinVar aggregate classification (germline): Pathogenic (1 of 4 stars; one submission).

Conditions:
Pheochromocytoma/paraganglioma syndrome 3. Also called: Paragangliomas 3; SDHC-Related Hereditary Paraganglioma-Pheochromocytoma Syndrome (Paragangliomas 3); SDHC-Related Hereditary Paraganglioma-Pheochromocytoma Syndrome; GLOMUS TUMORS, FAMILIAL, 3. Identifiers: Orphanet 29072, MedGen C1854336, MONDO:0011544, OMIM 605373.
Gastrointestinal stromal tumor. Also called: Gastrointestinal stroma tumor; Gastrointestinal stromal tumor, somatic. Identifiers: Orphanet 44890, MedGen C0238198, MeSH D046152, MONDO:0011719, OMIM 606764, HP:0100723.

Submission:

Labcorp Genetics (formerly Invitae), Labcorp
Classification: Pathogenic for Pheochromocytoma/paraganglioma syndrome 3; Gastrointestinal stromal tumor. Last evaluated: 2023-11-07. Review status: criteria provided, single submitter. Criteria: Invitae Variant Classification Sherloc (09022015). Collection method: clinical testing. Allele origin: germline.
Comment: This variant is a gross deletion of the genomic region encompassing exon(s) 6 of the SDHC gene, which includes the termination codon. This deletion extends beyond the assayed region for this gene and therefore may encompass additional genes. While this deletion is not anticipated to lead to nonsense mediated decay, it is expected to alter mRNA translation or result in a truncated protein product. A similar copy number variant has been observed in individuals with head and neck paragangliomas (PMID: 15342702). It has also been observed to segregate with disease in related individuals. For these reasons, this variant has been classified as Pathogenic.

Literature cited by the submitters: PubMed 15342702.